The following is an entry in ClinVar:

NM_004656.4(BAP1):c.932-16T>G

Gene: BAP1 (BRCA1 associated deubiquitinase 1; minus strand). Cytogenetic location: 3p21.1.
Variant type: single nucleotide variant.
Coding change: c.932-16T>G on transcript NM_004656.4 (MANE Select); 16 bases into the intron before coding-DNA position 932, T replaced by G.
Molecular consequence: intron variant.
Genome position (GRCh38, 1-based): chr3:52,405,310, A>C on the plus strand (T>G on the coding strand, the complement: BAP1 is on the minus strand). VCF-style: chr3-52405310-A-C. GRCh37 (hg19) VCF-style: chr3-52439326-A-C.
Identifiers: ClinVar variation 2135275 (VCV002135275.4), dbSNP rs2153227098, ClinGen allele CA2580070278.
Genomic context (GRCh38, chr3:52,405,310, plus strand): 5'-GGGATGGGGCTTGTGCGCATGAACCAGCCGCCTCCTCTGCACCATCTGAGACAGGGCAAG[A>C]ACACAGGCAGGACCTCCAGTAGGATCTCCAAGAAAAGCTCACAGTCTCCCCGGCCCTGTG-3'

ClinVar aggregate classification (germline): Uncertain significance (1 of 4 stars; one submission).

Conditions:
BAP1-related tumor predisposition syndrome (TPDS1). Also called: Tumor susceptibility linked to germline BAP1 mutations; TUMOR PREDISPOSITION SYNDROME 1; BAP1 tumor predisposition syndrome; COMMON Syndrome. Identifiers: Orphanet 289539, MedGen C3280492, MONDO:0013692, OMIM 614327.

Submission:

Labcorp Genetics (formerly Invitae), Labcorp
Classification: Uncertain significance for BAP1-related tumor predisposition syndrome. Last evaluated: 2022-05-07. Review status: criteria provided, single submitter. Criteria: Invitae Variant Classification Sherloc (09022015). Collection method: clinical testing. Allele origin: germline.
Comment: This sequence change falls in intron 10 of the BAP1 gene. It does not directly change the encoded amino acid sequence of the BAP1 protein. This variant is not present in population databases (gnomAD no frequency). In summary, the available evidence is currently insufficient to determine the role of this variant in disease. Therefore, it has been classified as a Variant of Uncertain Significance. Algorithms developed to predict the effect of sequence changes on RNA splicing suggest that this variant may disrupt the consensus splice site. This variant has not been reported in the literature in individuals affected with BAP1-related conditions.